The following is an entry in ClinVar:

ClinVar aggregate classification (germline): Uncertain significance. Review status: criteria provided, multiple submitters, no conflicts (2 of 4 stars). 2 submissions from 2 submitters: Uncertain significance (2). Last evaluated 2025-09-16.

Conditions:
Inborn genetic diseases. Identifiers: MedGen C0950123, MeSH D030342.

Allele frequency attached by ClinVar (database versions not stated): gnomAD exomes below 0.00001.
gnomAD v4.1: 16 of 1,611,110 alleles (0.00099%); highest among the groups gnomAD compares: Non-Finnish European, 0.0012%; no homozygotes.

Submissions (2):

Labcorp Genetics (formerly Invitae), Labcorp
Classification: Uncertain significance. Last evaluated: 2025-09-16. Review status: criteria provided, single submitter. Criteria: Invitae Variant Classification Sherloc (09022015). Collection method: clinical testing. Allele origin: germline.
Comment: This sequence change replaces histidine, which is basic and polar, with leucine, which is neutral and non-polar, at codon 228 of the FBXO11 protein (p.His228Leu). This variant is present in population databases (no rsID available, gnomAD 0.002%). This variant has not been reported in the literature in individuals affected with FBXO11-related conditions. ClinVar contains an entry for this variant (Variation ID: 1370321). An algorithm developed to predict the effect of missense changes on protein structure and function (PolyPhen-2) suggests that this variant is likely to be tolerated. In summary, the available evidence is currently insufficient to determine the role of this variant in disease. Therefore, it has been classified as a Variant of Uncertain Significance.

Ambry Genetics
Classification: Uncertain significance for Inborn genetic diseases. Last evaluated: 2025-05-15. Review status: criteria provided, single submitter. Criteria: Ambry Variant Classification Scheme 2023. Collection method: clinical testing. Allele origin: germline.

NM_001190274.2(FBXO11):c.683A>T (p.His228Leu)

Gene: FBXO11 (F-box protein 11; minus strand). Cytogenetic location: 2p16.3.
Variant type: single nucleotide variant.
Coding change: c.683A>T on transcript NM_001190274.2 (MANE Select); coding-DNA position 683, A replaced by T.
Protein change: p.His228Leu; replaces histidine 228 with leucine.
Molecular consequence: missense variant.
Genome position (GRCh38, 1-based): chr2:47,835,906, T>A on the plus strand (A>T on the coding strand, the complement: FBXO11 is on the minus strand). VCF-style: chr2-47835906-T-A. GRCh37 (hg19) VCF-style: chr2-48063045-T-A.
Other names: c.431A>T, p.His144Leu (NM_001374325.1, NM_025133.4); c.683A>T (NM_001190274.1); short protein forms H228L, H144L.
Identifiers: ClinVar variation 1370321 (VCV001370321.7), dbSNP rs1398888171, ClinGen allele CA346812222.